The following is an entry in ClinVar:

ClinVar aggregate classification (germline): Uncertain significance. Review status: criteria provided, multiple submitters, no conflicts (2 of 4 stars). 2 submissions from 2 submitters: Uncertain significance (2). Last evaluated 2026-01-29.

Conditions:
Inborn genetic diseases. Identifiers: MedGen C0950123, MeSH D030342.
Mucolipidosis type IV (ML4). Also called: ML IV. Identifiers: Orphanet 578, MedGen C0238286, MONDO:0009653, OMIM 252650.

Allele frequency attached by ClinVar (database versions not stated): ExAC 0.00002; gnomAD 0.00005; TOPMed 0.00008; 1000 Genomes Project 0.00060; 1000 Genomes Project 30x 0.00062.

Submissions (2):

Labcorp Genetics (formerly Invitae), Labcorp
Classification: Uncertain significance for Mucolipidosis type IV. Last evaluated: 2026-01-29. Review status: criteria provided, single submitter. Criteria: Invitae Variant Classification Sherloc (09022015). Collection method: clinical testing. Allele origin: germline.
Comment: This sequence change replaces valine, which is neutral and non-polar, with methionine, which is neutral and non-polar, at codon 303 of the MCOLN1 protein (p.Val303Met). This variant is present in population databases (rs187935081, gnomAD 0.01%). This variant has not been reported in the literature in individuals affected with MCOLN1-related conditions. ClinVar contains an entry for this variant (Variation ID: 1765707). Invitae Evidence Modeling of protein sequence and biophysical properties (such as structural, functional, and spatial information, amino acid conservation, physicochemical variation, residue mobility, and thermodynamic stability) indicates that this missense variant is not expected to disrupt MCOLN1 protein function with a negative predictive value of 95%. In summary, the available evidence is currently insufficient to determine the role of this variant in disease. Therefore, it has been classified as a Variant of Uncertain Significance.

Ambry Genetics
Classification: Uncertain significance for Inborn genetic diseases. Last evaluated: 2025-03-04. Review status: criteria provided, single submitter. Criteria: Ambry Variant Classification Scheme 2023. Collection method: clinical testing. Allele origin: germline.
Comment: The p.V303M variant (also known as c.907G>A), located in coding exon 8 of the MCOLN1 gene, results from a G to A substitution at nucleotide position 907. The valine at codon 303 is replaced by methionine, an amino acid with highly similar properties. This amino acid position is conserved. In addition, this alteration is predicted to be tolerated by in silico analysis. Since supporting evidence is limited at this time, the clinical significance of this alteration remains unclear.

NM_020533.3(MCOLN1):c.907G>A (p.Val303Met)

Gene: MCOLN1 (mucolipin TRP cation channel 1; plus strand). Cytogenetic location: 19p13.2.
Variant type: single nucleotide variant.
Coding change: c.907G>A on transcript NM_020533.3 (MANE Select); coding-DNA position 907, G replaced by A.
Protein change: p.Val303Met; replaces valine 303 with methionine.
Molecular consequence: missense variant.
Genome position (GRCh38, 1-based): chr19:7,528,626, G>A. VCF-style: chr19-7528626-G-A. GRCh37 (hg19) VCF-style: chr19-7593512-G-A.
Other names: short protein forms V303M.
Identifiers: ClinVar variation 1765707 (VCV001765707.7), dbSNP rs187935081, ClinGen allele CA9138957.